The following is an entry in ClinVar:

NM_020706.2(SCAF4):c.1535T>C (p.Val512Ala)

Gene: SCAF4 (SR-related CTD associated factor 4; minus strand). Cytogenetic location: 21q22.11.
Variant type: single nucleotide variant.
Coding change: c.1535T>C on transcript NM_020706.2 (MANE Select); coding-DNA position 1535, T replaced by C.
Protein change: p.Val512Ala; replaces valine 512 with alanine.
Molecular consequence: missense variant.
Genome position (GRCh38, 1-based): chr21:31,692,428, A>G on the plus strand (T>C on the coding strand, the complement: SCAF4 is on the minus strand). VCF-style: chr21-31692428-A-G. GRCh37 (hg19) VCF-style: chr21-33064741-A-G.
Other names: c.1490T>C, p.Val497Ala (NM_001145444.1); c.1535T>C, p.Val512Ala (NM_001145445.1); short protein forms V497A, V512A.
Identifiers: ClinVar variation 2443400 (VCV002443400.1), dbSNP rs2516756781, ClinGen allele CA410047286.

ClinVar aggregate classification (germline): Uncertain significance (1 of 4 stars; one submission).

Submission:

GeneDx
Classification: Uncertain significance. Last evaluated: 2022-09-13. Review status: criteria provided, single submitter. Criteria: GeneDx Variant Classification Process June 2021. Collection method: clinical testing. Allele origin: germline. Affected: yes.
Comment: Not observed at significant frequency in large population cohorts (gnomAD); In silico analysis supports that this missense variant has a deleterious effect on protein structure/function; Has not been previously published as pathogenic or benign to our knowledge